The following is an entry in ClinVar:

GRCh38/hg38 19p13.3(chr19:259395-1952650)x3

Genes: ABCA7 (ATP binding cassette subfamily A member 7; plus strand), ABHD17A (abhydrolase domain containing 17A, depalmitoylase; minus strand), ADAMTSL5 (ADAMTS like 5; minus strand), ADAT3 (adenosine deaminase tRNA specific 3; plus strand), APC2 (APC regulator of Wnt signaling pathway 2; plus strand) and 319 more. Cytogenetic location: 19p13.3.
Variant type: copy number gain.
Change: copy number 3 (three copies instead of two) of chr19:259,395-1,952,650 (1.69 Mb, GRCh38 coordinates, 1-based), cytogenetic band 19p13.3.
Identifiers: ClinVar variation 59078 (VCV000059078.1).

ClinVar aggregate classification (germline): Pathogenic (1 of 4 stars; one submission).

Submission:

ISCA site 14
Classification: Pathogenic. Last evaluated: 2011-08-12. Review status: criteria provided, single submitter. Criteria: Kaminsky et al. (Genet Med. 2011). Collection method: clinical testing. Allele origin: unknown. Affected: yes. Observed: 1 variant allele.
Comment: Copy number variation identified through the course of routine clinical cytogenomic testing in postnatal populations. Clinical assertions have been curated as described in Kaminsky et al. 2011.